The following is an entry in ClinVar:

NM_001374353.1(GLI2):c.148+43T>C

Gene: GLI2 (GLI family zinc finger 2; plus strand). Cytogenetic location: 2q14.2.
Variant type: single nucleotide variant.
Coding change: c.148+43T>C on transcript NM_001374353.1 (MANE Select); 43 bases into the intron after coding-DNA position 148, T replaced by C.
Molecular consequence: intron variant.
Genome position (GRCh38, 1-based): chr2:120,797,511, T>C. VCF-style: chr2-120797511-T-C. GRCh37 (hg19) VCF-style: chr2-121555087-T-C.
Other names: c.148+43T>C (NM_001371271.1, NM_005270.5); c.-122+43T>C (NM_001374354.1).
Identifiers: ClinVar variation 3057331 (VCV003057331.2), dbSNP rs201792283, ClinGen allele CA1851425.
Genomic context (GRCh38, chr2:120,797,511, plus strand): 5'-CGGTAGCTGCCCAAGGAGGTACTTTCTGTTTCGCACACTTGGAGGGCAGCAGGGGTGTTT[T>C]TCATTAGCCCGTTAGGATTTAATTAGAGTGGTGGCCCATGTCGTCAGGGAGGCATGCTGG-3'

ClinVar aggregate classification (germline): Likely benign (0 of 4 stars; one submission).

Conditions:
GLI2-related disorder. Also called: GLI2-related disorders; GLI2-related condition.

Allele frequency attached by ClinVar (database versions not stated): gnomAD exomes 0.00003; gnomAD 0.00004; ExAC 0.00007; TOPMed 0.00007; 1000 Genomes Project 0.00040; 1000 Genomes Project 30x 0.00047.
gnomAD v4.1: 46 of 1,583,726 alleles (0.0029%); highest among the groups gnomAD compares: East Asian, 0.089%; no homozygotes.

Submission:

PreventionGenetics, part of Exact Sciences
Classification: Likely benign for GLI2-related condition. Last evaluated: 2019-02-26. Review status: no assertion criteria provided. Collection method: clinical testing. Allele origin: germline.
Comment: This variant is classified as likely benign based on ACMG/AMP sequence variant interpretation guidelines (Richards et al. 2015 PMID: 25741868, with internal and published modifications).